The following is an entry in ClinVar:

ClinVar aggregate classification (germline): Uncertain significance (1 of 4 stars; one submission).

Conditions:
Autosomal dominant nonsyndromic hearing loss 56. Also called: Deafness, autosomal dominant 56. Identifiers: Orphanet 90635, MedGen C3810170, MONDO:0014283, OMIM 615629.

Submission:

Juno Genomics, Hangzhou Juno Genomics, Inc
Classification: Uncertain significance for Autosomal dominant nonsyndromic hearing loss 56. Review status: criteria provided, single submitter. Criteria: ACMG Guidelines, 2015. Collection method: clinical testing. Allele origin: germline.
Comment: Absent from controls (or at extremely low frequency if recessive) in Genome Aggregation Database.

NM_002160.4(TNC):c.4462G>C (p.Gly1488Arg)

Gene: TNC (tenascin C; minus strand). Cytogenetic location: 9q33.1.
Variant type: single nucleotide variant.
Coding change: c.4462G>C on transcript NM_002160.4 (MANE Select); coding-DNA position 4462, G replaced by C.
Protein change: p.Gly1488Arg; replaces glycine 1488 with arginine.
Molecular consequence: missense variant. On other transcripts: intron variant (10).
Genome position (GRCh38, 1-based): chr9:115,057,270, C>G on the plus strand (G>C on the coding strand, the complement: TNC is on the minus strand). VCF-style: chr9-115057270-C-G. GRCh37 (hg19) VCF-style: chr9-117819549-C-G.
Other names: c.4462G>C, p.Gly1488Arg (NM_001439065.1, NM_001439066.1, NM_001439067.1 and 11 more transcripts); c.4189G>C, p.Gly1397Arg (NM_001439069.1, NM_001439072.1, NM_001439073.1 and 8 more transcripts); c.3370G>C, p.Gly1124Arg (NM_001439090.1, NM_001439094.1, NM_001439098.1); c.3215-14929G>C (NM_001439099.1, NM_001439100.1, NM_001439101.1); c.3215-10588G>C (NM_001439096.1); c.3487+7377G>C (NM_001439097.1); c.3760+6526G>C (NM_001439093.1, NM_001439095.1); c.4033+5647G>C (NM_001439089.1, NM_001439091.1, NM_001439092.1); short protein forms G1124R, G1397R, G1488R.
Identifiers: ClinVar variation 5007378 (VCV005007378.2).